The following is an entry in ClinVar:

NM_001458.5(FLNC):c.1242C>G (p.Ile414Met)

Gene: FLNC (filamin C; plus strand). Cytogenetic location: 7q32.1.
Variant type: single nucleotide variant.
Coding change: c.1242C>G on transcript NM_001458.5 (MANE Select); coding-DNA position 1242, C replaced by G.
Protein change: p.Ile414Met; replaces isoleucine 414 with methionine.
Molecular consequence: missense variant.
Genome position (GRCh38, 1-based): chr7:128,838,634, C>G. VCF-style: chr7-128838634-C-G. GRCh37 (hg19) VCF-style: chr7-128478688-C-G.
Other names: c.1242C>G, p.Ile414Met (NM_001127487.2); short protein forms I414M.
Identifiers: ClinVar variation 1758572 (VCV001758572.8), dbSNP rs761922411, ClinGen allele CA369224426.
Genomic context (GRCh38, chr7:128,838,634, plus strand): 5'-GTGGTGCTGACAGCCTCTGTTTTCGGCAGGGGCCGGCACTGGCGATGTTGCTGTGGTGAT[C>G]GTGGACCCACAGGGCCGGCGGGACACAGTGGAGGTGGCCCTGGAGGACAAGGGTGACAGC-3'
Protein context (NP_001449.3, residues 404-424): GAGTGDVAVV[Ile414Met]VDPQGRRDTV

ClinVar aggregate classification (germline): Uncertain significance. Review status: criteria provided, multiple submitters, no conflicts (2 of 4 stars). 2 submissions from 2 submitters: Uncertain significance (2). Last evaluated 2026-01-21.

Conditions:
Hypertrophic cardiomyopathy 26. Also called: Cardiomyopathy, familial hypertrophic, 26. Identifiers: Orphanet 75249, MedGen C4310749, MONDO:0014883, OMIM 617047.
Distal myopathy with posterior leg and anterior hand involvement. Also called: WILLIAMS DISTAL MYOPATHY. Identifiers: Orphanet 63273, MedGen C3279722, MONDO:0013550, OMIM 614065.
Myofibrillar myopathy 5. Also called: Filaminopathy (type); FILAMINOPATHY, AUTOSOMAL DOMINANT. Identifiers: Orphanet 171445, MedGen C1836050, MONDO:0012289, OMIM 609524.
Cardiovascular phenotype. Identifiers: MedGen CN230736.

gnomAD v4.1: 3 of 1,612,904 alleles (0.00019%); highest among the groups gnomAD compares: Middle Eastern, 0.016%; no homozygotes.

Submissions (2):

Ambry Genetics
Classification: Uncertain significance for Cardiovascular phenotype. Last evaluated: 2026-01-21. Review status: criteria provided, single submitter. Criteria: Ambry Variant Classification Scheme 2023. Collection method: clinical testing. Allele origin: germline.
Comment: The c.1242C>G (p.I414M) alteration is located in exon 8 (coding exon 8) of the FLNC gene. This alteration results from a C to G substitution at nucleotide position 1242, causing the isoleucine (I) at amino acid position 414 to be replaced by a methionine (M). Based on data from gnomAD, the G allele has an overall frequency of 0.003% (1/31352) total alleles studied. The highest observed frequency was <0.001% (/) of alleles. Based on insufficient or conflicting evidence, the clinical significance of this alteration remains unclear.

Labcorp Genetics (formerly Invitae), Labcorp
Classification: Uncertain significance for Distal myopathy with posterior leg and anterior hand involvement; Myofibrillar myopathy 5; Hypertrophic cardiomyopathy 26. Last evaluated: 2022-10-17. Review status: criteria provided, single submitter. Criteria: Invitae Variant Classification Sherloc (09022015). Collection method: clinical testing. Allele origin: germline.
Comment: This sequence change replaces isoleucine, which is neutral and non-polar, with methionine, which is neutral and non-polar, at codon 414 of the FLNC protein (p.Ile414Met). This variant is present in population databases (no rsID available, gnomAD no frequency). This variant has not been reported in the literature in individuals affected with FLNC-related conditions. Advanced modeling of protein sequence and biophysical properties (such as structural, functional, and spatial information, amino acid conservation, physicochemical variation, residue mobility, and thermodynamic stability) has been performed at Invitae for this missense variant, however the output from this modeling did not meet the statistical confidence thresholds required to predict the impact of this variant on FLNC protein function. In summary, the available evidence is currently insufficient to determine the role of this variant in disease. Therefore, it has been classified as a Variant of Uncertain Significance.